The following is an entry in ClinVar:

ClinVar aggregate classification (germline): Uncertain significance (1 of 4 stars; one submission).

gnomAD v4.1: 1 of 1,205,409 alleles (0.000083%); highest among the groups gnomAD compares: African/African-American, 0.0017%; no homozygotes.

Submission:

GeneDx
Classification: Uncertain significance. Last evaluated: 2025-06-03. Review status: criteria provided, single submitter. Criteria: GeneDx Variant Classification Process June 2021. Collection method: clinical testing. Allele origin: germline. Affected: yes.
Comment: Not observed at significant frequency in large population cohorts (gnomAD); In silico analysis supports that this missense variant has a deleterious effect on protein structure/function; Has not been previously published as pathogenic or benign to our knowledge

NM_001079872.2(CUL4B):c.1778T>C (p.Leu593Ser)

Gene: CUL4B (cullin 4B; minus strand). Cytogenetic location: Xq24.
Variant type: single nucleotide variant.
Coding change: c.1778T>C on transcript NM_001079872.2 (MANE Select); coding-DNA position 1778, T replaced by C.
Protein change: p.Leu593Ser; replaces leucine 593 with serine.
Molecular consequence: missense variant.
Genome position (GRCh38, 1-based): chrX:120,538,734, A>G on the plus strand (T>C on the coding strand, the complement: CUL4B is on the minus strand). VCF-style: chrX-120538734-A-G. GRCh37 (hg19) VCF-style: chrX-119672589-A-G.
Other names: c.1793T>C, p.Leu598Ser (NM_001330624.2); c.1244T>C, p.Leu415Ser (NM_001369145.1); c.1832T>C, p.Leu611Ser (NM_003588.4); short protein forms L415S, L593S, L598S, L611S.
Identifiers: ClinVar variation 4536308 (VCV004536308.1).